The following is an entry in ClinVar:

ClinVar aggregate classification (germline): Uncertain significance (1 of 4 stars; one submission).

Conditions:
Inborn genetic diseases. Identifiers: MedGen C0950123, MeSH D030342.

Submission:

Ambry Genetics
Classification: Uncertain significance for Inborn genetic diseases. Last evaluated: 2026-03-19. Review status: criteria provided, single submitter. Criteria: Ambry Variant Classification Scheme 2023. Collection method: clinical testing. Allele origin: germline.
Comment: The p.M1492V variant (also known as c.4474A>G), located in coding exon 13 of the ASXL1 gene, results from an A to G substitution at nucleotide position 4474. The methionine at codon 1492 is replaced by valine, an amino acid with highly similar properties. This amino acid position is conserved. In addition, this alteration is predicted to be tolerated by in silico analysis. Based on the available evidence, the clinical significance of this variant remains unclear.

NM_015338.6(ASXL1):c.4474A>G (p.Met1492Val)

Gene: ASXL1 (ASXL transcriptional regulator 1; plus strand). Cytogenetic location: 20q11.21.
Variant type: single nucleotide variant.
Coding change: c.4474A>G on transcript NM_015338.6 (MANE Select); coding-DNA position 4474, A replaced by G.
Protein change: p.Met1492Val; replaces methionine 1492 with valine.
Molecular consequence: missense variant.
Genome position (GRCh38, 1-based): chr20:32,437,186, A>G. VCF-style: chr20-32437186-A-G. GRCh37 (hg19) VCF-style: chr20-31024989-A-G.
Other names: c.4291A>G, p.Met1431Val (NM_001363734.1); short protein forms M1431V, M1492V.
Identifiers: ClinVar variation 4864020 (VCV004864020.1).